The following is an entry in ClinVar:

ClinVar aggregate classification (germline): Conflicting classifications of pathogenicity. Review status: criteria provided, conflicting classifications (1 of 4 stars). 8 submissions from 8 submitters: Uncertain significance (4); Benign (1); Likely benign (2). 1 of the submissions does not count toward it. Last evaluated 2026-01-30.

Conditions:
Hereditary cancer-predisposing syndrome. Also called: Neoplastic Syndromes, Hereditary; Tumor predisposition; Hereditary neoplastic syndrome; Hereditary Cancer Syndrome. Identifiers: Orphanet 140162, MedGen C0027672, MeSH D009386, MONDO:0015356.
ALK-related disorder. Also called: ALK-related condition.
Neuroblastoma, susceptibility to, 3. Also called: ALK-Related Neuroblastic Tumor Susceptibility. Identifiers: Orphanet 635, MedGen C2751681, MONDO:0013083, OMIM 613014.

Allele frequency attached by ClinVar (database versions not stated): ESP Exome Variant Server 0.00008; gnomAD 0.00045 and 0.00055; TOPMed 0.00049.

Submissions (8):

Labcorp Genetics (formerly Invitae), Labcorp
Classification: Likely benign for Neuroblastoma, susceptibility to, 3. Last evaluated: 2026-01-30. Review status: criteria provided, single submitter. Criteria: Invitae Variant Classification Sherloc (09022015). Collection method: clinical testing. Allele origin: germline.

Ambry Genetics
Classification: Benign for Hereditary cancer-predisposing syndrome. Last evaluated: 2024-10-02. Review status: criteria provided, single submitter. Criteria: Ambry Variant Classification Scheme 2023. Collection method: clinical testing. Allele origin: germline.

GeneDx
Classification: Uncertain significance. Last evaluated: 2023-11-29. Review status: criteria provided, single submitter. Criteria: GeneDx Variant Classification Process June 2021. Collection method: clinical testing. Allele origin: germline. Affected: yes.
Comment: In silico analysis supports that this missense variant does not alter protein structure/function; Has not been previously published as pathogenic or benign to our knowledge

ARUP Laboratories, Molecular Genetics and Genomics, ARUP Laboratories
Classification: Uncertain significance for Neuroblastoma, susceptibility to, 3. Last evaluated: 2023-10-05. Review status: criteria provided, single submitter. Criteria: ARUP Molecular Germline Variant Investigation Process 2024. Collection method: clinical testing. Allele origin: germline.
Comment: The ALK c.469C>T; p.Pro157Ser variant (rs74774946), to our knowledge, is not reported in the medical literature but is reported in ClinVar (Variation ID: 239842). This variant is found in the non-Finnish European population with an allele frequency of 0.063% (79/125,556 alleles) in the Genome Aggregation Database. Computational analyses predict that this variant is neutral (REVEL: 0.031). However, given the lack of clinical and functional data, the significance of this variant is uncertain at this time.

Institute for Clinical Genetics, University Hospital TU Dresden, University Hospital TU Dresden
Classification: Uncertain significance. Last evaluated: 2021-11-03. Review status: criteria provided, single submitter. Criteria: ACMG Guidelines, 2015. Collection method: clinical testing. Allele origin: germline.

Sema4
Classification: Likely benign for Hereditary cancer-predisposing syndrome. Last evaluated: 2020-11-05. Review status: criteria provided, single submitter. Criteria: Sema4 Curation Guidelines. Collection method: curation. Allele origin: germline.

Illumina Laboratory Services, Illumina
Classification: Uncertain significance for Neuroblastoma, susceptibility to, 3. Last evaluated: 2017-04-27. Review status: criteria provided, single submitter. Criteria: ICSL Variant Classification Criteria 13 December 2019. Collection method: clinical testing. Allele origin: germline.

PreventionGenetics, part of Exact Sciences
Classification: Uncertain significance for ALK-related condition. Last evaluated: 2024-08-05. Review status: no assertion criteria provided. Collection method: clinical testing. Allele origin: germline. Not counted in ClinVar's aggregate classification.
Comment: The ALK c.469C>T variant is predicted to result in the amino acid substitution p.Pro157Ser. To our knowledge, this variant has not been reported in the literature. This variant is reported in 0.068% of alleles in individuals of Ashkenazi Jewish descent in gnomAD and has conflicting interpretations regarding its pathogenicity in ClinVar, ranging from likely benign to uncertain. At this time, the clinical significance of this variant is uncertain due to the absence of conclusive functional and genetic evidence.

NM_004304.5(ALK):c.469C>T (p.Pro157Ser)

Gene: ALK (ALK receptor tyrosine kinase; minus strand). Cytogenetic location: 2p23.1.
Variant type: single nucleotide variant.
Coding change: c.469C>T on transcript NM_004304.5 (MANE Select); coding-DNA position 469, C replaced by T.
Protein change: p.Pro157Ser; replaces proline 157 with serine.
Molecular consequence: missense variant.
Genome position (GRCh38, 1-based): chr2:29,920,191, G>A on the plus strand (C>T on the coding strand, the complement: ALK is on the minus strand). VCF-style: chr2-29920191-G-A. GRCh37 (hg19) VCF-style: chr2-30143057-G-A.
Other names: short protein forms P157S.
Identifiers: ClinVar variation 239842 (VCV000239842.29), dbSNP rs74774946, ClinGen allele CA1594963.